The following is an entry in ClinVar:

NM_001003722.2(GLE1):c.1574dup (p.His525fs)

Genes: GLE1 (GLE1 RNA export mediator; plus strand), LOC101929270 (uncharacterized LOC101929270; minus strand). Cytogenetic location: 9q34.11.
Variant type: Duplication.
Coding change: c.1574dup on transcript NM_001003722.2 (MANE Select); coding-DNA position 1574, one base duplicated (A; older notation c.1574dupA).
Protein change: p.His525fs; shifts the reading frame from histidine 525.
Molecular consequence: frameshift variant.
Genome position (GRCh38, 1-based): chr9:128,533,879, A duplicated. VCF-style (leftmost placement, unchanged base first): chr9-128533878-C-CA. GRCh37 (hg19) VCF-style: chr9-131296157-C-CA.
Other names: c.1601dup, p.His534fs (NM_001411013.1); c.1574dup, p.His525fs (NM_001499.2); c.1574dupA (NM_001003722.1); short protein forms H525fs, H534fs.
Identifiers: ClinVar variation 4814492 (VCV004814492.1).

ClinVar aggregate classification (germline): Likely pathogenic (1 of 4 stars; one submission).

Conditions:
Lethal congenital contractural syndrome Finnish type.

Submission:

Natera, Inc.
Classification: Likely pathogenic for Lethal congenital contractural syndrome Finnish type. Last evaluated: 2025-09-22. Review status: criteria provided, single submitter. Criteria: Natera Variant Classification Schema (03/2026). Collection method: clinical testing. Allele origin: germline.
Comment: The c.1574dupA variant in GLE1 is a frameshift variant predicted to shift the reading frame beginning at codon 525 and leads to a stop codon 2 codons downstream. This variant is expected to result in nonsense mediated decay, truncation, or a dysfunctional protein product. This variant is rare in the general population with a frequency below the threshold expected for the associated phenotype(s). Given the available evidence, this variant is classified as Likely Pathogenic.